The following is an entry in ClinVar:

ClinVar aggregate classification (germline): Likely benign. Review status: criteria provided, multiple submitters, no conflicts (2 of 4 stars). 3 submissions from 3 submitters: Likely benign (3). Last evaluated 2025-11-12.

Conditions:
KBG syndrome (KBGS). Also called: ANKRD11-Related KBG Syndrome. Identifiers: Orphanet 2332, MedGen C0220687, MONDO:0007846, OMIM 148050.

gnomAD v4.1: 50 of 1,604,406 alleles (0.0031%); highest among the groups gnomAD compares: Non-Finnish European, 0.0042%; no homozygotes.

Submissions (3):

Labcorp Genetics (formerly Invitae), Labcorp
Classification: Likely benign for KBG syndrome. Last evaluated: 2025-11-12. Review status: criteria provided, single submitter. Criteria: Invitae Variant Classification Sherloc (09022015). Collection method: clinical testing. Allele origin: germline.

CeGaT Center for Human Genetics Tuebingen
Classification: Likely benign. Last evaluated: 2025-01-01. Review status: criteria provided, single submitter. Criteria: CeGaT Center For Human Genetics Tuebingen Variant Classification Criteria Version 2. Collection method: clinical testing. Allele origin: germline. Affected: yes. Observed: 1 variant allele.
Comment: ANKRD11: BP4, BP7

Blueprint Genetics
Classification: Likely benign. Last evaluated: 2021-07-06. Review status: criteria provided, single submitter. Criteria: ACMG Guidelines, 2015. Collection method: clinical testing. Allele origin: germline.

NM_013275.6(ANKRD11):c.5664A>G (p.Ala1888=)

Gene: ANKRD11 (ankyrin repeat domain 11; minus strand). Cytogenetic location: 16q24.3.
Variant type: single nucleotide variant.
Coding change: c.5664A>G on transcript NM_013275.6 (MANE Select); coding-DNA position 5664, A replaced by G.
Protein change: p.Ala1888=; no amino-acid change (alanine 1888 retained).
Molecular consequence: synonymous variant.
Genome position (GRCh38, 1-based): chr16:89,280,878, T>C on the plus strand (A>G on the coding strand, the complement: ANKRD11 is on the minus strand). VCF-style: chr16-89280878-T-C. GRCh37 (hg19) VCF-style: chr16-89347286-T-C.
Other names: c.5664A>G, p.Ala1888= (NM_001256182.2, NM_001256183.2).
Identifiers: ClinVar variation 3770714 (VCV003770714.15).
Genomic context (GRCh38, chr16:89,280,878, plus strand): 5'-GGGAAGGGCCCCTTCGAGGGAAGGAACCAGCAGCTCGGCTCTGGGGGAAGGGGAAGGTTT[T>C]GCTTGTAAACTTGAGAAGACGCCCTCTGGAGACGGGGTGACAGTGACAACGGCAGCCGGT-3'
Protein context (NP_037407.4, residues 1878-1898): SPEGVFSSLQ[Ala1888=]KPSPSPRAEL